The following is an entry in ClinVar:

NM_019892.6(INPP5E):c.781dup (p.Ala261fs)

Gene: INPP5E (inositol polyphosphate-5-phosphatase E; minus strand). Cytogenetic location: 9q34.3.
Variant type: Duplication.
Coding change: c.781dup on transcript NM_019892.6 (MANE Select); coding-DNA position 781, one base duplicated (G; older notation c.781dupG).
Protein change: p.Ala261fs; shifts the reading frame from alanine 261.
Molecular consequence: frameshift variant.
Genome position (GRCh38, 1-based): chr9:136,438,639, C duplicated on the plus strand (G on the coding strand, the reverse complement: INPP5E is on the minus strand); the first of 2 consecutive C bases (chr9:136,438,639-136,438,640); duplicating either gives the same sequence. VCF-style (leftmost placement, unchanged base first): chr9-136438638-G-GC. GRCh37 (hg19) VCF-style: chr9-139333090-G-GC.
Other names: c.781dup, p.Ala261fs (NM_001318502.2); short protein forms A261fs.
Identifiers: ClinVar variation 1930282 (VCV001930282.5), dbSNP rs1835894708, ClinGen allele CA1884231650.

ClinVar aggregate classification (germline): Pathogenic (1 of 4 stars; one submission).

Conditions:
Joubert syndrome. Also called: CEREBELLOPARENCHYMAL DISORDER IV; JOUBERT-BOLTSHAUSER SYNDROME; Familial aplasia of the vermis. Identifiers: Orphanet 475, MedGen C5979921, MONDO:0018772.

Submission:

Labcorp Genetics (formerly Invitae), Labcorp
Classification: Pathogenic for Joubert syndrome. Last evaluated: 2022-08-05. Review status: criteria provided, single submitter. Criteria: Invitae Variant Classification Sherloc (09022015). Collection method: clinical testing. Allele origin: germline.
Comment: For these reasons, this variant has been classified as Pathogenic. This variant has not been reported in the literature in individuals affected with INPP5E-related conditions. This variant is not present in population databases (gnomAD no frequency). This sequence change creates a premature translational stop signal (p.Ala261Glyfs*29) in the INPP5E gene. It is expected to result in an absent or disrupted protein product. Loss-of-function variants in INPP5E are known to be pathogenic (PMID: 19668216, 23034536, 23386033, 28125082).

Literature cited by the submitters: PubMed 19668216; PubMed 23034536; PubMed 23386033; PubMed 28125082.